The following is an entry in ClinVar:

NM_000393.5(COL5A2):c.*848T>C

Gene: COL5A2 (collagen type V alpha 2 chain; minus strand). Cytogenetic location: 2q32.2.
Variant type: single nucleotide variant.
Coding change: c.*848T>C on transcript NM_000393.5 (MANE Select); 848 bases downstream of the stop codon, T replaced by C.
Molecular consequence: 3 prime UTR variant.
Genome position (GRCh38, 1-based): chr2:189,033,222, A>G on the plus strand (T>C on the coding strand, the complement: COL5A2 is on the minus strand). VCF-style: chr2-189033222-A-G. GRCh37 (hg19) VCF-style: chr2-189897948-A-G.
Identifiers: ClinVar variation 333112 (VCV000333112.35), dbSNP rs72902303, ClinGen allele CA10611778.

ClinVar aggregate classification (germline): Benign (1 of 4 stars; one submission).

Allele frequency attached by ClinVar (database versions not stated): 1000 Genomes Project 30x 0.00016; TOPMed 0.00051; gnomAD 0.00070 and 0.00076.

Submission:

CeGaT Center for Human Genetics Tuebingen
Classification: Benign. Last evaluated: 2023-05-01. Review status: criteria provided, single submitter. Criteria: CeGaT Center For Human Genetics Tuebingen Variant Classification Criteria Version 2. Collection method: clinical testing. Allele origin: germline. Affected: yes. Observed: 2 variant alleles.
Comment: COL5A2: BS1, BS2